The following is an entry in ClinVar:

NM_000132.4(F8):c.332C>T (p.Ala111Val)

Gene: F8 (coagulation factor VIII; minus strand). Cytogenetic location: Xq28.
Variant type: single nucleotide variant.
Coding change: c.332C>T on transcript NM_000132.4 (MANE Select); coding-DNA position 332, C replaced by T.
Protein change: p.Ala111Val; replaces alanine 111 with valine.
Molecular consequence: missense variant.
Genome position (GRCh38, 1-based): chrX:154,997,029, G>A on the plus strand (C>T on the coding strand, the complement: F8 is on the minus strand). VCF-style: chrX-154997029-G-A. GRCh37 (hg19) VCF-style: chrX-154225304-G-A.
Other names: p.Ala111Val; NM_000132.4(F8):c.332C>T; short protein forms A111V.
Identifiers: ClinVar variation 3380944 (VCV003380944.4).

ClinVar aggregate classification (germline): Uncertain significance. Review status: reviewed by expert panel (3 of 4 stars). 3 submissions from 3 submitters: Uncertain significance (1). 2 of the submissions do not count toward it. Last evaluated 2025-12-05.

Conditions:
Hereditary factor VIII deficiency disease (HEMA). Also called: HEMOPHILIA, CLASSIC; AUTOSOMAL HEMOPHILIA A; Hemophilia A; Hemophilia A, congenital; HEM A; Factor 8 deficiency, congenital. Identifiers: Orphanet 98878, MedGen C0019069, MONDO:0010602, OMIM 306700.

Submissions (3):

ClinGen Coagulation Factor Deficiency Variant Curation Expert Panel, Clingen
Classification: Uncertain significance for Hereditary factor VIII deficiency disease. Last evaluated: 2025-12-05. Review status: reviewed by expert panel. Criteria: ClinGen CoagFactor ACMG Specifications F8 V1.0.0. Collection method: curation. Allele origin: germline. Inheritance: X-linked inheritance.
Comment: The NM_000132.4(F8):c.332C>T (p.Ala111Val) variant is a missense variant in F8 that is absent from population databases (gnomAD v2.1.1/gnomAD v3; PM2_Supporting) and is predicted to have a deleterious effect (REVEL score of 0.968), which is greater than the ClinGen CFD threshold for PP3 (>0.6). The variant has been observed in at least two probands with mild to moderate hemophilia A with type 2N von Willebrand disease ruled out (PMID:11857744, External laboratory data; PS4_Moderate). Another missense variant (c.331G>A, p.Ala111Thr, CAID:CA414919991) in the same codon has been classified as likely pathogenic for hemophilia A by the ClinGen Coagulation Factor Deficiency VCEP (PM5_Supporting) with agreement in splicing predictors show no splicing impact. In summary, this variant meets the criteria to be classified as a variant of uncertain significance for hemophilia A. ACMG/AMP criteria applied, as specified by the Coagulation Factor Deficiency Variant Curation Expert Panel (specifications version 1.0.0) for F8: PS4_Moderate, PM5_Supporting, PM2_Supporting, PP3.

Mayo Clinic Laboratories, Mayo Clinic
Classification: Likely pathogenic. Last evaluated: 2024-06-21. Review status: criteria provided, single submitter. Criteria: ACMG Guidelines, 2015. Collection method: clinical testing. Allele origin: germline. Observed: 1 variant allele. Not counted in ClinVar's aggregate classification.
Comment: PP3, PM1, PM2, PS4_moderate

Juno Genomics, Hangzhou Juno Genomics, Inc
Classification: Uncertain significance for Hereditary factor VIII deficiency disease. Review status: criteria provided, single submitter. Criteria: ACMG Guidelines, 2015. Collection method: clinical testing. Allele origin: germline. Affected: yes. Not counted in ClinVar's aggregate classification.
Comment: Absent from controls (or at extremely low frequency if recessive) in Genome Aggregation Database, Exome Sequencing Project, 1000 Genomes Project, or Exome Aggregation Consortium.;The prevalence of the variant in affected individuals is significantly increased compared to the prevalence in controls.;Multiple lines of computational evidence support a deleterious effect on the gene or gene product (conservation, evolutionary, splicing impact, etc).

Literature cited by the submitters: PubMed 11857744 (cited by Mayo Clinic Laboratories, Mayo Clinic); PubMed 19473423 (cited by Mayo Clinic Laboratories, Mayo Clinic).